The following is an entry in ClinVar:

NM_022726.4(ELOVL4):c.918G>C (p.Gln306His)

Gene: ELOVL4 (ELOVL fatty acid elongase 4; minus strand). Cytogenetic location: 6q14.1.
Variant type: single nucleotide variant.
Coding change: c.918G>C on transcript NM_022726.4 (MANE Select); coding-DNA position 918, G replaced by C.
Protein change: p.Gln306His; replaces glutamine 306 with histidine.
Molecular consequence: missense variant.
Genome position (GRCh38, 1-based): chr6:79,916,635, C>G on the plus strand (G>C on the coding strand, the complement: ELOVL4 is on the minus strand). VCF-style: chr6-79916635-C-G. GRCh37 (hg19) VCF-style: chr6-80626352-C-G.
Other names: c.918G>C (NM_022726.3); short protein forms Q306H.
Identifiers: ClinVar variation 1486425 (VCV001486425.7), dbSNP rs1774165769, ClinGen allele CA364655556.

ClinVar aggregate classification (germline): Uncertain significance. Review status: criteria provided, multiple submitters, no conflicts (2 of 4 stars). 2 submissions from 2 submitters: Uncertain significance (2). Last evaluated 2026-04-15.

Conditions:
ELOVL4-related disorder. Also called: ELOVL4-related condition; ELOVL4-related disorders.

Allele frequency attached by ClinVar (database versions not stated): gnomAD exomes below 0.00001; TOPMed 0.00001.
gnomAD v4.1: 7 of 1,614,066 alleles (0.00043%); highest among the groups gnomAD compares: Non-Finnish European, 0.00051%; no homozygotes.

Submissions (2):

PreventionGenetics, part of Exact Sciences
Classification: Uncertain significance for ELOVL4-related condition. Last evaluated: 2026-04-15. Review status: criteria provided, single submitter. Criteria: ACMG Guidelines, 2015. Collection method: clinical testing. Allele origin: germline.
Comment: The ELOVL4 c.918G>C variant is predicted to result in the amino acid substitution p.Gln306His. To our knowledge, this variant has not been reported in the literature or in a large population database (gnomAD), indicating this variant is rare. At this time, the clinical significance of this variant is uncertain due to the absence of conclusive functional and genetic evidence.

Labcorp Genetics (formerly Invitae), Labcorp
Classification: Uncertain significance. Last evaluated: 2024-04-06. Review status: criteria provided, single submitter. Criteria: Invitae Variant Classification Sherloc (09022015). Collection method: clinical testing. Allele origin: germline.
Comment: This sequence change replaces glutamine, which is neutral and polar, with histidine, which is basic and polar, at codon 306 of the ELOVL4 protein (p.Gln306His). This variant is not present in population databases (gnomAD no frequency). This variant has not been reported in the literature in individuals affected with ELOVL4-related conditions. ClinVar contains an entry for this variant (Variation ID: 1486425). Experimental studies and prediction algorithms are not available or were not evaluated, and the functional significance of this variant is currently unknown. In summary, the available evidence is currently insufficient to determine the role of this variant in disease. Therefore, it has been classified as a Variant of Uncertain Significance.